The following is an entry in ClinVar:

ClinVar aggregate classification (germline): Uncertain significance (1 of 4 stars; one submission).

Conditions:
Microcephaly 3, primary, autosomal recessive. Identifiers: Orphanet 2512, MedGen C1858108, MONDO:0011488, OMIM 604804.

Submission:

Baylor Genetics
Classification: Uncertain significance for Microcephaly 3, primary, autosomal recessive. Last evaluated: 2020-11-05. Review status: criteria provided, single submitter. Criteria: ACMG Guidelines, 2015. Collection method: clinical testing. Allele origin: unknown. Affected: yes.
Comment: This variant was determined to be of uncertain significance according to ACMG Guidelines, 2015 [PMID:25741868].

NM_018249.6(CDK5RAP2):c.761T>C (p.Val254Ala)

Gene: CDK5RAP2 (CDK5 regulatory subunit associated protein 2; minus strand). Cytogenetic location: 9q33.2.
Variant type: single nucleotide variant.
Coding change: c.761T>C on transcript NM_018249.6 (MANE Select); coding-DNA position 761, T replaced by C.
Protein change: p.Val254Ala; replaces valine 254 with alanine.
Molecular consequence: missense variant. On other transcripts: non-coding transcript variant (5).
Genome position (GRCh38, 1-based): chr9:120,530,042, A>G on the plus strand (T>C on the coding strand, the complement: CDK5RAP2 is on the minus strand). VCF-style: chr9-120530042-A-G. GRCh37 (hg19) VCF-style: chr9-123292320-A-G.
Other names: c.761T>C, p.Val254Ala (NM_001011649.3, NM_001272039.2); short protein forms V254A.
Identifiers: ClinVar variation 1029687 (VCV001029687.1), dbSNP rs777129747, ClinGen allele CA374705073.